The following is an entry in ClinVar:

ClinVar aggregate classification (germline): Uncertain significance (1 of 4 stars; one submission).

Conditions:
Adams-Oliver syndrome 5 (AOS5). Identifiers: Orphanet 974, MedGen C4014970, MONDO:0014459, OMIM 616028.

Allele frequency attached by ClinVar (database versions not stated): gnomAD exomes 0.00001.
gnomAD v4.1: 4 of 1,593,524 alleles (0.00025%); highest among the groups gnomAD compares: Non-Finnish European, 0.00034%; no homozygotes.

Submission:

Labcorp Genetics (formerly Invitae), Labcorp
Classification: Uncertain significance for Adams-Oliver syndrome 5. Last evaluated: 2020-11-06. Review status: criteria provided, single submitter. Criteria: Invitae Variant Classification Sherloc (09022015). Collection method: clinical testing. Allele origin: germline.
Comment: This variant is not present in population databases (ExAC no frequency). In summary, the available evidence is currently insufficient to determine the role of this variant in disease. Therefore, it has been classified as a Variant of Uncertain Significance. Advanced modeling of protein sequence and biophysical properties (such as structural, functional, and spatial information, amino acid conservation, physicochemical variation, residue mobility, and thermodynamic stability) performed at Invitae indicates that this missense variant is not expected to disrupt NOTCH1 protein function. This variant has not been reported in the literature in individuals with NOTCH1-related conditions. This sequence change replaces serine with arginine at codon 1388 of the NOTCH1 protein (p.Ser1388Arg). The serine residue is moderately conserved and there is a moderate physicochemical difference between serine and arginine.

NM_017617.5(NOTCH1):c.4162A>C (p.Ser1388Arg)

Gene: NOTCH1 (notch receptor 1; minus strand). Cytogenetic location: 9q34.3.
Variant type: single nucleotide variant.
Coding change: c.4162A>C on transcript NM_017617.5 (MANE Select); coding-DNA position 4162, A replaced by C.
Protein change: p.Ser1388Arg; replaces serine 1388 with arginine.
Molecular consequence: missense variant.
Genome position (GRCh38, 1-based): chr9:136,505,734, T>G on the plus strand (A>C on the coding strand, the complement: NOTCH1 is on the minus strand). VCF-style: chr9-136505734-T-G. GRCh37 (hg19) VCF-style: chr9-139400186-T-G.
Other names: short protein forms S1388R.
Identifiers: ClinVar variation 1461136 (VCV001461136.8), dbSNP rs2133340569, ClinGen allele CA375649435.